The following is an entry in ClinVar:

ClinVar aggregate classification (germline): Uncertain significance (1 of 4 stars; one submission).

Submission:

Labcorp Genetics (formerly Invitae), Labcorp
Classification: Uncertain significance. Last evaluated: 2024-09-30. Review status: criteria provided, single submitter. Criteria: Invitae Variant Classification Sherloc (09022015). Collection method: clinical testing. Allele origin: germline.
Comment: This sequence change replaces cysteine, which is neutral and slightly polar, with serine, which is neutral and polar, at codon 361 of the MARS2 protein (p.Cys361Ser). This variant is not present in population databases (gnomAD no frequency). This variant has not been reported in the literature in individuals affected with MARS2-related conditions. Invitae Evidence Modeling of protein sequence and biophysical properties (such as structural, functional, and spatial information, amino acid conservation, physicochemical variation, residue mobility, and thermodynamic stability) indicates that this missense variant is not expected to disrupt MARS2 protein function with a negative predictive value of 80%. In summary, the available evidence is currently insufficient to determine the role of this variant in disease. Therefore, it has been classified as a Variant of Uncertain Significance.

NM_138395.4(MARS2):c.1082G>C (p.Cys361Ser)

Gene: MARS2 (methionyl-tRNA synthetase 2, mitochondrial; plus strand). Cytogenetic location: 2q33.1.
Variant type: single nucleotide variant.
Coding change: c.1082G>C on transcript NM_138395.4 (MANE Select); coding-DNA position 1082, G replaced by C.
Protein change: p.Cys361Ser; replaces cysteine 361 with serine.
Molecular consequence: missense variant.
Genome position (GRCh38, 1-based): chr2:197,706,487, G>C. VCF-style: chr2-197706487-G-C. GRCh37 (hg19) VCF-style: chr2-198571211-G-C.
Other names: short protein forms C361S.
Identifiers: ClinVar variation 2824778 (VCV002824778.3), dbSNP rs2089476517, ClinGen allele CA350213739.
Genomic context (GRCh38, chr2:197,706,487, plus strand): 5'-GGACAGTCTGTGGCCAAAAGATGTCCAAGAGCTTGGGCAACGTGGTGGATCCTAGGACTT[G>C]CCTTAACCGCTATACCGTGGATGGCTTCCGCTACTTTCTCCTTCGGCAGGGCGTCCCCAA-3'
Protein context (NP_612404.1, residues 351-371): SLGNVVDPRT[Cys361Ser]LNRYTVDGFR